The following is an entry in ClinVar:

NM_207352.4(CYP4V2):c.699A>C (p.Arg233Ser)

Gene: CYP4V2 (cytochrome P450 family 4 subfamily V member 2; plus strand). Cytogenetic location: 4q35.1.
Variant type: single nucleotide variant.
Coding change: c.699A>C on transcript NM_207352.4 (MANE Select); coding-DNA position 699, A replaced by C.
Protein change: p.Arg233Ser; replaces arginine 233 with serine.
Molecular consequence: missense variant.
Genome position (GRCh38, 1-based): chr4:186,198,981, A>C. VCF-style: chr4-186198981-A-C. GRCh37 (hg19) VCF-style: chr4-187120135-A-C.
Other names: short protein forms R233S.
Identifiers: ClinVar variation 1998896 (VCV001998896.4), dbSNP rs2478911949, ClinGen allele CA358947913.
Genomic context (GRCh38, chr4:186,198,981, plus strand): 5'-GATACAACAGCTGATGTATTTTTATCCCATTTATAGAATGAGTGAGATGATATTTCGAAG[A>C]ATAAAGATGCCCTGGCTTTGGCTTGATCTCTGGTACCTTATGTTTAAAGAAGGATGGGAA-3'
Protein context (NP_997235.3, residues 223-243): VYRMSEMIFR[Arg233Ser]IKMPWLWLDL

ClinVar aggregate classification (germline): Uncertain significance (1 of 4 stars; one submission).

Allele frequency attached by ClinVar (database versions not stated): gnomAD exomes below 0.00001.

Submission:

Labcorp Genetics (formerly Invitae), Labcorp
Classification: Uncertain significance. Last evaluated: 2022-05-25. Review status: criteria provided, single submitter. Criteria: Invitae Variant Classification Sherloc (09022015). Collection method: clinical testing. Allele origin: germline.
Comment: In summary, the available evidence is currently insufficient to determine the role of this variant in disease. Therefore, it has been classified as a Variant of Uncertain Significance. Advanced modeling of protein sequence and biophysical properties (such as structural, functional, and spatial information, amino acid conservation, physicochemical variation, residue mobility, and thermodynamic stability) performed at Invitae indicates that this missense variant is expected to disrupt CYP4V2 protein function. This variant has not been reported in the literature in individuals affected with CYP4V2-related conditions. This variant is not present in population databases (gnomAD no frequency). This sequence change replaces arginine, which is basic and polar, with serine, which is neutral and polar, at codon 233 of the CYP4V2 protein (p.Arg233Ser).